The following is an entry in ClinVar:

ClinVar aggregate classification (germline): Pathogenic (1 of 4 stars; one submission).

Conditions:
Autosomal recessive limb-girdle muscular dystrophy type 2O. Also called: Limb-Girdle Muscular Dystrophy Type 3C; MUSCULAR DYSTROPHY-DYSTROGLYCANOPATHY (LIMB-GIRDLE), TYPE C, 3; MUSCULAR DYSTROPHY-DYSTROGLYCANOPATHY, LIMB-GIRDLE, POMGNT1-RELATED. Identifiers: Orphanet 206564, MedGen C3150417, MONDO:0013161, OMIM 613157.
Muscular dystrophy-dystroglycanopathy (congenital with impaired intellectual development), type B, 3. Also called: MUSCULAR DYSTROPHY, CONGENITAL, POMGNT1-RELATED; Muscular dystrophy-dystroglycanopathy (congenital with intellectual disability), type B3. Identifiers: MedGen C3150412, MONDO:0013155, OMIM 613151.

Submission:

Labcorp Genetics (formerly Invitae), Labcorp
Classification: Pathogenic for Autosomal recessive limb-girdle muscular dystrophy type 2O; Muscular dystrophy-dystroglycanopathy (congenital with impaired intellectual development), type B, 3. Last evaluated: 2023-08-02. Review status: criteria provided, single submitter. Criteria: Invitae Variant Classification Sherloc (09022015). Collection method: clinical testing. Allele origin: germline.
Comment: For these reasons, this variant has been classified as Pathogenic. Algorithms developed to predict the effect of sequence changes on RNA splicing suggest that this variant may disrupt the consensus splice site. This variant has not been reported in the literature in individuals affected with POMGNT1-related conditions. This variant is present in population databases (no rsID available, gnomAD 0.007%). This sequence change creates a premature translational stop signal (p.Glu180*) in the POMGNT1 gene. It is expected to result in an absent or disrupted protein product. Loss-of-function variants in POMGNT1 are known to be pathogenic (PMID: 19299310, 20816175, 21447391, 26908613, 27391550).

Literature cited by the submitters: PubMed 19299310; PubMed 20816175; PubMed 21447391; PubMed 26908613; PubMed 27391550.

NM_017739.4(POMGNT1):c.538G>T (p.Glu180Ter)

Genes: POMGNT1 (protein O-linked mannose N-acetylglucosaminyltransferase 1 (beta 1,2-); minus strand), TSPAN1 (tetraspanin 1; plus strand). Cytogenetic location: 1p34.1.
Variant type: single nucleotide variant.
Coding change: c.538G>T on transcript NM_017739.4 (MANE Select); coding-DNA position 538, G replaced by T.
Protein change: p.Glu180Ter; replaces glutamic acid 180 with a stop codon.
Molecular consequence: nonsense.
Genome position (GRCh38, 1-based): chr1:46,194,958, C>A on the plus strand (G>T on the coding strand, the complement: POMGNT1 is on the minus strand). VCF-style: chr1-46194958-C-A. GRCh37 (hg19) VCF-style: chr1-46660630-C-A.
Other names: c.538G>T, p.Glu180Ter (NM_001243766.2, NM_001410783.1); c.472G>T, p.Glu158Ter (NM_001290129.3); c.109G>T, p.Glu37Ter (NM_001290130.2); short protein forms E37*, E180*, E158*.
Identifiers: ClinVar variation 2931939 (VCV002931939.3), dbSNP rs1176339464, ClinGen allele CA340187515.